The following is an entry in ClinVar:

NM_022552.5(DNMT3A):c.66C>T (p.Asp22=)

Gene: DNMT3A (DNA methyltransferase 3 alpha; minus strand). Cytogenetic location: 2p23.3.
Variant type: single nucleotide variant.
Coding change: c.66C>T on transcript NM_022552.5 (MANE Select); coding-DNA position 66, C replaced by T.
Protein change: p.Asp22=; no amino-acid change (aspartic acid 22 retained).
Molecular consequence: synonymous variant. On other transcripts: non-coding transcript variant (1).
Genome position (GRCh38, 1-based): chr2:25,313,919, G>A on the plus strand (C>T on the coding strand, the complement: DNMT3A is on the minus strand). VCF-style: chr2-25313919-G-A. GRCh37 (hg19) VCF-style: chr2-25536788-G-A.
Other names: c.66C>T, p.Asp22= (NM_001320892.2, NM_175629.2, NM_175630.1).
Identifiers: ClinVar variation 3054293 (VCV003054293.2), dbSNP rs2034256009, ClinGen allele CA425319783.
Genomic context (GRCh38, chr2:25,313,919, plus strand): 5'-ACAGGGCTCTCCCTCTCCCAGGCCAGAGGGTCCCCAGCAGAGCCCGCTGCTCACCTTTCG[G>A]TCCTCCTCCCGCTCCGCAGCAGAGCTGCTGGTGTCCCCGGGGCCGCTGGAGGGCATGGCG-3'
Protein context (NP_072046.2, residues 12-32): TSSSAAEREE[Asp22=]RKDGEEQEEP

ClinVar aggregate classification (germline): Likely benign (0 of 4 stars; one submission).

Conditions:
DNMT3A-related disorder. Also called: DNMT3A-related condition; DNMT3A-related disorders.

Allele frequency attached by ClinVar (database versions not stated): gnomAD exomes below 0.00001; gnomAD 0.00001.
gnomAD v4.1: 3 of 1,549,510 alleles (0.00019%); highest among the groups gnomAD compares: Admixed American, 0.0039%; no homozygotes.

Submission:

PreventionGenetics, part of Exact Sciences
Classification: Likely benign for DNMT3A-related condition. Last evaluated: 2022-07-27. Review status: no assertion criteria provided. Collection method: clinical testing. Allele origin: germline.
Comment: This variant is classified as likely benign based on ACMG/AMP sequence variant interpretation guidelines (Richards et al. 2015 PMID: 25741868, with internal and published modifications).